The following is an entry in ClinVar:

NM_001212.4(C1QBP):c.787C>G (p.Leu263Val)

Gene: C1QBP (complement C1q binding protein; minus strand). Cytogenetic location: 17p13.2.
Variant type: single nucleotide variant.
Coding change: c.787C>G on transcript NM_001212.4 (MANE Select); coding-DNA position 787, C replaced by G.
Protein change: p.Leu263Val; replaces leucine 263 with valine.
Molecular consequence: missense variant.
Genome position (GRCh38, 1-based): chr17:5,433,077, G>C on the plus strand (C>G on the coding strand, the complement: C1QBP is on the minus strand). VCF-style: chr17-5433077-G-C. GRCh37 (hg19) VCF-style: chr17-5336397-G-C.
Other names: short protein forms L263V.
Identifiers: ClinVar variation 1926720 (VCV001926720.2), dbSNP rs772737093, ClinGen allele CA8325166.

ClinVar aggregate classification (germline): Uncertain significance (1 of 4 stars; one submission).

Allele frequency attached by ClinVar (database versions not stated): ExAC 0.00002.

Submission:

Labcorp Genetics (formerly Invitae), Labcorp
Classification: Uncertain significance. Last evaluated: 2022-06-16. Review status: criteria provided, single submitter. Criteria: Invitae Variant Classification Sherloc (09022015). Collection method: clinical testing. Allele origin: germline.
Comment: This sequence change replaces leucine, which is neutral and non-polar, with valine, which is neutral and non-polar, at codon 263 of the C1QBP protein (p.Leu263Val). This variant is present in population databases (rs772737093, gnomAD 0.009%). This variant has not been reported in the literature in individuals affected with C1QBP-related conditions. Algorithms developed to predict the effect of missense changes on protein structure and function are either unavailable or do not agree on the potential impact of this missense change (SIFT: "Tolerated"; PolyPhen-2: "Possibly Damaging"; Align-GVGD: "Class C0"). In summary, the available evidence is currently insufficient to determine the role of this variant in disease. Therefore, it has been classified as a Variant of Uncertain Significance.